The following is an entry in ClinVar:

NM_194277.3(FRMD7):c.383-11C>T

Gene: FRMD7 (FERM domain containing 7; minus strand). Cytogenetic location: Xq26.2.
Variant type: single nucleotide variant.
Coding change: c.383-11C>T on transcript NM_194277.3 (MANE Select); 11 bases into the intron before coding-DNA position 383, C replaced by T.
Molecular consequence: intron variant.
Genome position (GRCh38, 1-based): chrX:132,086,045, G>A on the plus strand (C>T on the coding strand, the complement: FRMD7 is on the minus strand). VCF-style: chrX-132086045-G-A. GRCh37 (hg19) VCF-style: chrX-131220073-G-A.
Other names: c.338-11C>T (NM_001306193.2).
Identifiers: ClinVar variation 367911 (VCV000367911.17), dbSNP rs56029310, ClinGen allele CA10519055.

ClinVar aggregate classification (germline): Benign. Review status: criteria provided, multiple submitters, no conflicts (2 of 4 stars). 6 submissions from 6 submitters: Benign (6). Last evaluated 2026-02-03.

Conditions:
Nystagmus 1, congenital, X-linked. Also called: NYSTAGMUS, INFANTILE PERIODIC ALTERNATING, X-LINKED; NYSTAGMUS, INFANTILE IDIOPATHIC; FRMD7-Related Infantile Nystagmus; NYSTAGMUS 1, INFANTILE, X-LINKED; NYSTAGMUS, CONGENITAL MOTOR, 1. Identifiers: MedGen C1839580, MONDO:0010693, OMIM 310700.

Allele frequency attached by ClinVar (database versions not stated): TOPMed 0.02781; gnomAD 0.02885 and 0.02920; gnomAD exomes 0.03017 and 0.04344; ESP Exome Variant Server 0.03020; ExAC 0.03143; 1000 Genomes Project 30x 0.01498; 1000 Genomes Project 0.01510.
gnomAD v4.1: 43,921 of 1,053,258 alleles (4.2%); highest among the groups gnomAD compares: Non-Finnish European, 5%; 773 homozygotes.

Submissions (6):

Labcorp Genetics (formerly Invitae), Labcorp
Classification: Benign. Last evaluated: 2026-02-03. Review status: criteria provided, single submitter. Criteria: Invitae Variant Classification Sherloc (09022015). Collection method: clinical testing. Allele origin: germline.

Blueprint Genetics
Classification: Benign. Last evaluated: 2024-11-28. Review status: criteria provided, single submitter. Criteria: ACMG Guidelines, 2015. Collection method: clinical testing. Allele origin: germline.

Genome-Nilou Lab
Classification: Benign for Nystagmus 1, congenital, X-linked. Last evaluated: 2021-08-10. Review status: criteria provided, single submitter. Criteria: ACMG Guidelines, 2015. Collection method: clinical testing. Allele origin: germline. Affected: no.

GeneDx
Classification: Benign. Last evaluated: 2021-03-18. Review status: criteria provided, single submitter. Criteria: GeneDx Variant Classification Process June 2021. Collection method: clinical testing. Allele origin: germline. Affected: yes.
Comment: This variant is associated with the following publications: (PMID: 17397053)

Illumina Laboratory Services, Illumina
Classification: Benign for Nystagmus 1, congenital, X-linked. Last evaluated: 2018-01-13. Review status: criteria provided, single submitter. Criteria: ICSL Variant Classification Criteria 13 December 2019. Collection method: clinical testing. Allele origin: germline.
Comment: This variant was observed in the ICSL laboratory as part of a predisposition screen in an ostensibly healthy population. It had not been previously curated by ICSL or reported in the Human Gene Mutation Database (HGMD: prior to June 1st, 2018), and was therefore a candidate for classification through an automated scoring system. Utilizing variant allele frequency, disease prevalence and penetrance estimates, and inheritance mode, an automated score was calculated to assess if this variant is too frequent to cause the disease. Based on the score and internal cut-off values, a variant classified as benign is not then subjected to further curation. The score for this variant resulted in a classification of benign for this disease.

Breakthrough Genomics
Classification: Benign. Review status: criteria provided, single submitter. Criteria: ACMG Guidelines, 2015. Collection method: not provided. Allele origin: germline. Inheritance: X-linked inheritance. Affected: yes.